The following is an entry in ClinVar:

ClinVar aggregate classification (germline): Uncertain significance. Review status: criteria provided, multiple submitters, no conflicts (2 of 4 stars). 7 submissions from 6 submitters: Uncertain significance (6). 1 of the submissions does not count toward it. Last evaluated 2023-02-13.

Conditions:
Usher syndrome type 1 (USH1). Also called: RETINITIS PIGMENTOSA AND CONGENITAL DEAFNESS. Identifiers: Orphanet 231169, Orphanet 886, MedGen C1568247, MONDO:0010168, OMIM 276900.
Autosomal recessive nonsyndromic hearing loss 12. Also called: DEAFNESS, AUTOSOMAL RECESSIVE 12. Identifiers: Orphanet 90636, MedGen C1832394, MONDO:0011067, OMIM 601386.
Usher syndrome type 1D (USH1D). Also called: USHER SYNDROME, TYPE ID. Identifiers: Orphanet 231169, Orphanet 886, MedGen C1832845, MONDO:0010984, OMIM 601067.

Allele frequency attached by ClinVar (database versions not stated): ExAC 0.00001; gnomAD exomes 0.00002; TOPMed 0.00003; gnomAD 0.00004.
gnomAD v4.1: 35 of 1,613,824 alleles (0.0022%); highest among the groups gnomAD compares: Non-Finnish European, 0.0028%; no homozygotes.

Submissions (7):

Women's Health and Genetics/Laboratory Corporation of America, LabCorp
Classification: Uncertain significance. Last evaluated: 2023-02-13. Review status: criteria provided, single submitter. Criteria: LabCorp Variant Classification Summary - May 2015. Collection method: clinical testing. Allele origin: germline.
Comment: Variant summary: CDH23 c.1363G>A (p.Asp455Asn) results in a conservative amino acid change in the encoded protein sequence. Three of four in-silico tools predict a damaging effect of the variant on protein function. The variant allele was found at a frequency of 1.6e-05 in 249302 control chromosomes. The available data on variant occurrences in the general population are insufficient to allow any conclusion about variant significance. c.1363G>A has been reported in the literature in an individual affected with sensorineural hearing loss (Sakuma_2016). These report(s) do not provide unequivocal conclusions about association of the variant with Usher Syndrome. To our knowledge, no experimental evidence demonstrating an impact on protein function has been reported. Three clinical diagnostic laboratories have submitted clinical-significance assessments for this variant to ClinVar after 2014 and classified the variant as uncertain significance. Based on the evidence outlined above, the variant was classified as uncertain significance.

Labcorp Genetics (formerly Invitae), Labcorp
Classification: Uncertain significance. Last evaluated: 2022-10-13. Review status: criteria provided, single submitter. Criteria: Invitae Variant Classification Sherloc (09022015). Collection method: clinical testing. Allele origin: germline.
Comment: This sequence change replaces aspartic acid, which is acidic and polar, with asparagine, which is neutral and polar, at codon 455 of the CDH23 protein (p.Asp455Asn). This variant is present in population databases (rs727502920, gnomAD 0.004%). This missense change has been observed in individual(s) with sensorineural hearing loss (PMID: 26763877). ClinVar contains an entry for this variant (Variation ID: 162881). Advanced modeling of protein sequence and biophysical properties (such as structural, functional, and spatial information, amino acid conservation, physicochemical variation, residue mobility, and thermodynamic stability) has been performed at Invitae for this missense variant, however the output from this modeling did not meet the statistical confidence thresholds required to predict the impact of this variant on CDH23 protein function. In summary, the available evidence is currently insufficient to determine the role of this variant in disease. Therefore, it has been classified as a Variant of Uncertain Significance.

Blueprint Genetics
Classification: Uncertain significance. Last evaluated: 2018-07-13. Review status: criteria provided, single submitter. Criteria: ACMG Guidelines, 2015. Collection method: clinical testing. Allele origin: germline.

Illumina Laboratory Services, Illumina
Classification: Uncertain significance for Autosomal recessive nonsyndromic hearing loss 12. Last evaluated: 2018-01-13. Review status: criteria provided, single submitter. Criteria: ICSL Variant Classification Criteria 13 December 2019. Collection method: clinical testing. Allele origin: germline.

Illumina Laboratory Services, Illumina
Classification: Uncertain significance for Usher syndrome type 1D. Last evaluated: 2018-01-13. Review status: criteria provided, single submitter. Criteria: ICSL Variant Classification Criteria 13 December 2019. Collection method: clinical testing. Allele origin: germline.

Laboratory for Molecular Medicine, Mass General Brigham Personalized Medicine
Classification: Uncertain significance. Last evaluated: 2013-11-03. Review status: criteria provided, single submitter. Criteria: LMM Criteria. Collection method: clinical testing. Allele origin: germline. Observed: 1 variant allele.
Comment: The Asp455Asn variant in CDH23 has not been reported in individuals with hearing loss or in large population studies. Computational analyses (biochemical amino acid properties, conservation, AlignGVGD, PolyPhen2, and SIFT) do not provide st rong support for or against an impact to the protein. In summary, additional dat a is needed to determine the clinical significance of this variant.

Natera, Inc.
Classification: Uncertain significance for Usher syndrome type 1. Last evaluated: 2020-09-16. Review status: no assertion criteria provided. Collection method: clinical testing. Allele origin: germline. Not counted in ClinVar's aggregate classification.

Literature cited by the submitters: PubMed 26763877 (cited by Women's Health and Genetics/Laboratory Corporation of America, LabCorp and Labcorp Genetics (formerly Invitae), Labcorp).

NM_022124.6(CDH23):c.1363G>A (p.Asp455Asn)

Gene: CDH23 (cadherin related 23; plus strand). Cytogenetic location: 10q22.1.
Variant type: single nucleotide variant.
Coding change: c.1363G>A on transcript NM_022124.6 (MANE Select); coding-DNA position 1363, G replaced by A.
Protein change: p.Asp455Asn; replaces aspartic acid 455 with asparagine.
Molecular consequence: missense variant.
Genome position (GRCh38, 1-based): chr10:71,646,531, G>A. VCF-style: chr10-71646531-G-A. GRCh37 (hg19) VCF-style: chr10-73406288-G-A.
Other names: c.1363G>A, p.Asp455Asn (NM_001171930.2, NM_001171931.2, NM_052836.4); short protein forms D455N.
Identifiers: ClinVar variation 162881 (VCV000162881.15), dbSNP rs727502920, ClinGen allele CA175464.